The following is an entry in ClinVar:

NM_000257.4(MYH7):c.1311C>A (p.Asn437Lys)

Gene: MYH7 (myosin heavy chain 7; minus strand). Cytogenetic location: 14q11.2.
Variant type: single nucleotide variant.
Coding change: c.1311C>A on transcript NM_000257.4 (MANE Select); coding-DNA position 1311, C replaced by A.
Protein change: p.Asn437Lys; replaces asparagine 437 with lysine.
Molecular consequence: missense variant.
Genome position (GRCh38, 1-based): chr14:23,429,051, G>T on the plus strand (C>A on the coding strand, the complement: MYH7 is on the minus strand). VCF-style: chr14-23429051-G-T. GRCh37 (hg19) VCF-style: chr14-23898260-G-T.
Other names: short protein forms N437K.
Identifiers: ClinVar variation 663735 (VCV000663735.45), dbSNP rs1595086845, ClinGen allele CA389050888.
Genomic context (GRCh38, chr14:23,429,051, plus strand): 5'-TATGAAGTACTGGCGTGGCTGCTTGGTCTCCAGGGTGGCATTGATGCGCGTCACCATCCA[G>T]TTGAACATCCTCTCATACACTGCCTTGGCCAGTGCCCCAGTGGCATATATCACCTGCAAG-3'
Protein context (NP_000248.2, residues 427-447): LAKAVYERMF[Asn437Lys]WMVTRINATL

ClinVar aggregate classification (germline): Conflicting classifications of pathogenicity. Review status: criteria provided, conflicting classifications (1 of 4 stars). 3 submissions from 3 submitters: Likely pathogenic (1); Uncertain significance (2). Last evaluated 2024-01-31.

Conditions:
Hypertrophic cardiomyopathy. Also called: HYPERTROPHIC MYOCARDIOPATHY. Identifiers: Orphanet 217569, MedGen C0007194, MeSH D002312, MONDO:0005045, HP:0001639.
Dilated cardiomyopathy 1S (CMD1S). Identifiers: Orphanet 154, Orphanet 54260, MedGen C1834481, MONDO:0013262, OMIM 613426.

Submissions (3):

The Genetics Institute, Rambam Health Care Campus
Classification: Likely pathogenic for Dilated cardiomyopathy 1S. Last evaluated: 2024-01-31. Review status: criteria provided, single submitter. Criteria: ACMG Guidelines, 2015. Collection method: clinical testing. Allele origin: germline. Inheritance: Autosomal dominant inheritance. Affected: yes. Observed: 7 variant alleles, 7 heterozygotes.
Comment: PM2 , PM1 , PP1_strong seen in 5 family members with DCM and another unrelated proband with DCM. Note, this variant has benign predictions and could be in linkage with a pathogenic non-coding variant not detected.

Labcorp Genetics (formerly Invitae), Labcorp
Classification: Uncertain significance for Hypertrophic cardiomyopathy. Last evaluated: 2018-09-06. Review status: criteria provided, single submitter. Criteria: Invitae Variant Classification Sherloc (09022015). Collection method: clinical testing. Allele origin: germline.
Comment: This sequence change replaces asparagine with lysine at codon 437 of the MYH7 protein (p.Asn437Lys). The asparagine residue is highly conserved and there is a moderate physicochemical difference between asparagine and lysine. This variant is not present in population databases (ExAC no frequency). This variant has not been reported in the literature in individuals with MYH7-related disease. Algorithms developed to predict the effect of missense changes on protein structure and function are either unavailable or do not agree on the potential impact of this missense change (SIFT: "Deleterious"; PolyPhen-2: "Possibly Damaging"; Align-GVGD: "Class C0"). This variant is found within a region of MYH7 between codons 181 and 937 that contains the majority of the myosin head domain. Missense variants in this region have been shown to be significantly overrepresented in individuals with hypertrophic cardiomyopathy (PMID: 27532257). In summary, the available evidence is currently insufficient to determine the role of this variant in disease. Therefore, it has been classified as a Variant of Uncertain Significance.

CeGaT Center for Human Genetics Tuebingen
Classification: Uncertain significance. Last evaluated: 2017-05-01. Review status: criteria provided, single submitter. Criteria: CeGaT Center For Human Genetics Tuebingen Variant Classification Criteria Version 2. Collection method: clinical testing. Allele origin: germline. Affected: yes. Observed: 1 variant allele.

Literature cited by the submitters: PubMed 27532257 (cited by Labcorp Genetics (formerly Invitae), Labcorp).